The following is an entry in ClinVar:

ClinVar aggregate classification (germline): Uncertain significance (1 of 4 stars; one submission).

Conditions:
Neurofibromatosis, type 1 (NF1). Also called: Neurofibromatosis, type I; Peripheral type neurofibromatosis; VON RECKLINGHAUSEN DISEASE; NEUROFIBROMATOSIS, TYPE I, SOMATIC. Identifiers: Orphanet 636, MedGen C0027831, MONDO:0018975, OMIM 162200. Disease mechanism: loss of function.

Submission:

Labcorp Genetics (formerly Invitae), Labcorp
Classification: Uncertain significance for Neurofibromatosis, type 1. Last evaluated: 2023-08-18. Review status: criteria provided, single submitter. Criteria: Invitae Variant Classification Sherloc (09022015). Collection method: clinical testing. Allele origin: germline.
Comment: In summary, the available evidence is currently insufficient to determine the role of this variant in disease. Therefore, it has been classified as a Variant of Uncertain Significance. Algorithms developed to predict the effect of sequence changes on RNA splicing suggest that this variant is not likely to affect RNA splicing. This variant has been observed in individual(s) with neurofibromatosis type 1 (PMID: 18484666). This variant is not present in population databases (gnomAD no frequency). This sequence change falls in intron 21 of the NF1 gene. It does not directly change the encoded amino acid sequence of the NF1 protein.

Literature cited by the submitters: PubMed 18484666.

NM_001042492.3(NF1):c.2851-4T>G

Gene: NF1 (neurofibromin 1; plus strand). Cytogenetic location: 17q11.2.
Variant type: single nucleotide variant.
Coding change: c.2851-4T>G on transcript NM_001042492.3 (MANE Select); 4 bases into the intron before coding-DNA position 2851, T replaced by G.
Molecular consequence: intron variant.
Genome position (GRCh38, 1-based): chr17:31,229,831, T>G. VCF-style: chr17-31229831-T-G. GRCh37 (hg19) VCF-style: chr17-29556849-T-G.
Other names: c.2851-4T>G (NM_000267.4).
Identifiers: ClinVar variation 2736533 (VCV002736533.3), dbSNP rs2151430452, ClinGen allele CA2695224798.